The following is an entry in ClinVar:

ClinVar aggregate classification (germline): Benign. Review status: criteria provided, multiple submitters, no conflicts (2 of 4 stars). 3 submissions from 3 submitters: Benign (3). Last evaluated 2018-06-14.

Conditions:
Sideroblastic anemia 2. Also called: Anemia, sideroblastic, 2, pyridoxine-refractory. Identifiers: Orphanet 260305, MedGen C4225425, MONDO:0008785, OMIM 205950.

Allele frequency attached by ClinVar (database versions not stated): gnomAD 0.26780 and 0.26507; gnomAD exomes 0.30294; 1000 Genomes Project 0.25100; 1000 Genomes Project 30x 0.25187; TOPMed 0.25992.

Submissions (3):

GeneDx
Classification: Benign. Last evaluated: 2018-06-14. Review status: criteria provided, single submitter. Criteria: GeneDx Variant Classification Process June 2021. Collection method: clinical testing. Allele origin: germline. Affected: yes.

Illumina Laboratory Services, Illumina
Classification: Benign for Sideroblastic anemia 2. Last evaluated: 2018-01-13. Review status: criteria provided, single submitter. Criteria: ICSL Variant Classification Criteria 13 December 2019. Collection method: clinical testing. Allele origin: germline.
Comment: This variant was observed in the ICSL laboratory as part of a predisposition screen in an ostensibly healthy population. It had not been previously curated by ICSL or reported in the Human Gene Mutation Database (HGMD: prior to June 1st, 2018), and was therefore a candidate for classification through an automated scoring system. Utilizing variant allele frequency, disease prevalence and penetrance estimates, and inheritance mode, an automated score was calculated to assess if this variant is too frequent to cause the disease. Based on the score and internal cut-off values, a variant classified as benign is not then subjected to further curation. The score for this variant resulted in a classification of benign for this disease.

Breakthrough Genomics
Classification: Benign. Review status: criteria provided, single submitter. Criteria: ACMG Guidelines, 2015. Collection method: not provided. Allele origin: germline. Inheritance: Autosomal recessive inheritance. Affected: yes.

NM_017875.4(SLC25A38):c.*310A>T

Gene: SLC25A38 (solute carrier family 25 member 38; plus strand). Cytogenetic location: 3p22.1.
Variant type: single nucleotide variant.
Coding change: c.*310A>T on transcript NM_017875.4 (MANE Select); 310 bases downstream of the stop codon, A replaced by T.
Molecular consequence: 3 prime UTR variant.
Genome position (GRCh38, 1-based): chr3:39,396,830, A>T. VCF-style: chr3-39396830-A-T. GRCh37 (hg19) VCF-style: chr3-39438321-A-T.
Other names: c.*310A>T (LRG_1133t1); c.*344A>T (NM_001354798.2).
Identifiers: ClinVar variation 345153 (VCV000345153.9), dbSNP rs12991, ClinGen allele CA10616371.
Genomic context (GRCh38, chr3:39,396,830, plus strand): 5'-TCTGAGAGGCTACTTGGAAAGGCATTTTCCCAGGAGAGCTCTGTCAGGTGGCTGCGCTTC[A>T]GCCCCACCCCTACACCACAGGGTCTCCTTGGGTATGTTCTTGGGCAAGCAATCACAAAGC-3'